The following is an entry in ClinVar:

NM_000159.4(GCDH):c.531C>T (p.Phe177=)

Gene: GCDH (glutaryl-CoA dehydrogenase; plus strand). Cytogenetic location: 19p13.13.
Variant type: single nucleotide variant.
Coding change: c.531C>T on transcript NM_000159.4 (MANE Select); coding-DNA position 531, C replaced by T.
Protein change: p.Phe177=; no amino-acid change (phenylalanine 177 retained).
Molecular consequence: synonymous variant. On other transcripts: non-coding transcript variant (2).
Genome position (GRCh38, 1-based): chr19:12,896,017, C>T. VCF-style: chr19-12896017-C-T. GRCh37 (hg19) VCF-style: chr19-13006831-C-T.
Other names: c.531C>T, p.Phe177= (NM_013976.5).
Identifiers: ClinVar variation 385460 (VCV000385460.38), dbSNP rs144013229, ClinGen allele CA9234422.

ClinVar aggregate classification (germline): Likely benign. Review status: criteria provided, multiple submitters, no conflicts (2 of 4 stars). 6 submissions from 6 submitters: Likely benign (6). Last evaluated 2026-02-03.

Conditions:
Inborn genetic diseases. Identifiers: MedGen C0950123, MeSH D030342.
Glutaric aciduria, type 1. Also called: Glutaric acidemia type I; Glutaryl-CoA dehydrogenase deficiency; Glutaricacidemia Type 1; Glutaric Acidemia Type 1; GA I; Glutaricaciduria, type I. Identifiers: Orphanet 25, MedGen C0268595, MONDO:0009281, OMIM 231670.

Allele frequency attached by ClinVar (database versions not stated): ExAC 0.00021; ESP Exome Variant Server 0.00023; gnomAD exomes 0.00030 and 0.00105; 1000 Genomes Project 30x 0.00016; gnomAD 0.00037; TOPMed 0.00040.
gnomAD v4.1: 1,543 of 1,613,986 alleles (0.096%); highest among the groups gnomAD compares: Non-Finnish European, 0.13%; 1 homozygote.

Submissions (6):

Women's Health and Genetics/Laboratory Corporation of America, LabCorp
Classification: Likely benign. Last evaluated: 2026-02-03. Review status: criteria provided, single submitter. Criteria: LabCorp Variant Classification Summary - May 2015. Collection method: clinical testing. Allele origin: germline.

Labcorp Genetics (formerly Invitae), Labcorp
Classification: Likely benign for Glutaric aciduria, type 1. Last evaluated: 2026-01-13. Review status: criteria provided, single submitter. Criteria: Invitae Variant Classification Sherloc (09022015). Collection method: clinical testing. Allele origin: germline.

CeGaT Center for Human Genetics Tuebingen
Classification: Likely benign. Last evaluated: 2024-11-01. Review status: criteria provided, single submitter. Criteria: CeGaT Center For Human Genetics Tuebingen Variant Classification Criteria Version 2. Collection method: clinical testing. Allele origin: germline. Affected: yes. Observed: 2 variant alleles.
Comment: GCDH: BP4, BP7

Blueprint Genetics
Classification: Likely benign. Last evaluated: 2024-10-23. Review status: criteria provided, single submitter. Criteria: ACMG Guidelines, 2015. Collection method: clinical testing. Allele origin: germline.

Ambry Genetics
Classification: Likely benign for Inborn genetic diseases. Last evaluated: 2022-08-07. Review status: criteria provided, single submitter. Criteria: Ambry Variant Classification Scheme 2023. Collection method: clinical testing. Allele origin: germline.

GeneDx
Classification: Likely benign. Last evaluated: 2016-11-22. Review status: criteria provided, single submitter. Criteria: GeneDx Variant Classification (06012015). Collection method: clinical testing. Allele origin: germline. Affected: yes.
Comment: This variant is considered likely benign or benign based on one or more of the following criteria: it is a conservative change, it occurs at a poorly conserved position in the protein, it is predicted to be benign by multiple in silico algorithms, and/or has population frequency not consistent with disease.